The following is an entry in ClinVar:

ClinVar aggregate classification (germline): Likely benign. Review status: criteria provided, multiple submitters, no conflicts (2 of 4 stars). 3 submissions from 3 submitters: Likely benign (2). 1 of the submissions does not count toward it. Last evaluated 2025-08-17.

Conditions:
FARS2-related disorder. Also called: FARS2-related condition; FARS2-related disorders.
Combined oxidative phosphorylation defect type 14. Also called: Combined oxidative phosphorylation deficiency 14. Identifiers: Orphanet 319519, MedGen C4755312, MONDO:0013986, OMIM 614946.

Allele frequency attached by ClinVar (database versions not stated): ExAC 0.00001; gnomAD 0.00002; gnomAD exomes 0.00002.
gnomAD v4.1: 30 of 1,614,094 alleles (0.0019%); highest among the groups gnomAD compares: Non-Finnish European, 0.0025%; no homozygotes.

Submissions (3):

Labcorp Genetics (formerly Invitae), Labcorp
Classification: Likely benign for Combined oxidative phosphorylation defect type 14. Last evaluated: 2025-08-17. Review status: criteria provided, single submitter. Criteria: Invitae Variant Classification Sherloc (09022015). Collection method: clinical testing. Allele origin: germline.

Blueprint Genetics
Classification: Likely benign. Last evaluated: 2019-12-18. Review status: criteria provided, single submitter. Criteria: ACMG Guidelines, 2015. Collection method: clinical testing. Allele origin: germline.

PreventionGenetics, part of Exact Sciences
Classification: Likely benign for FARS2-related condition. Last evaluated: 2019-02-21. Review status: no assertion criteria provided. Collection method: clinical testing. Allele origin: germline. Not counted in ClinVar's aggregate classification.
Comment: This variant is classified as likely benign based on ACMG/AMP sequence variant interpretation guidelines (Richards et al. 2015 PMID: 25741868, with internal and published modifications).

NM_006567.5(FARS2):c.213C>T (p.Leu71=)

Genes: FARS2 (phenylalanyl-tRNA synthetase 2, mitochondrial; plus strand), LOC126859565 (CDK7 strongly-dependent group 2 enhancer GRCh37_chr6:5368745-5369944; plus strand). Cytogenetic location: 6p25.1.
Variant type: single nucleotide variant.
Coding change: c.213C>T on transcript NM_006567.5 (MANE Select); coding-DNA position 213, C replaced by T.
Protein change: p.Leu71=; no amino-acid change (leucine 71 retained).
Molecular consequence: synonymous variant. On other transcripts: intron variant (2).
Genome position (GRCh38, 1-based): chr6:5,368,783, C>T. VCF-style: chr6-5368783-C-T. GRCh37 (hg19) VCF-style: chr6-5369016-C-T.
Other names: c.213C>T, p.Leu71= (NM_001318872.2, NM_001374875.1, NM_001374876.1 and 5 more transcripts); c.-340-27850C>T (NM_001375260.1); c.-84-35759C>T (NM_001375259.1); c.213C>T (NM_006567.4).
Identifiers: ClinVar variation 1109917 (VCV001109917.8), dbSNP rs748813583, ClinGen allele CA3623607.